The following is an entry in ClinVar:

NM_000216.4(ANOS1):c.1012A>G (p.Ser338Gly)

Gene: ANOS1 (anosmin 1; minus strand). Cytogenetic location: Xp22.31.
Variant type: single nucleotide variant.
Coding change: c.1012A>G on transcript NM_000216.4 (MANE Select); coding-DNA position 1012, A replaced by G.
Protein change: p.Ser338Gly; replaces serine 338 with glycine.
Molecular consequence: missense variant.
Genome position (GRCh38, 1-based): chrX:8,570,549, T>C on the plus strand (A>G on the coding strand, the complement: ANOS1 is on the minus strand). VCF-style: chrX-8570549-T-C. GRCh37 (hg19) VCF-style: chrX-8538590-T-C.
Other names: short protein forms S338G.
Identifiers: ClinVar variation 1307445 (VCV001307445.2), dbSNP rs2146807121, ClinGen allele CA411995524.
Genomic context (GRCh38, chrX:8,570,549, plus strand): 5'-TCCCACTCACCCCATCCGTAGTCTTTCTCCGCTTCTTCTTTGTTGGGACAAGAGACTTAC[T>C]GCTGACCATCCAGCTCCAAAAGACCTTGTAATGATGCACAGGGATGTCCGGCTCCTCGGG-3'
Protein context (NP_000207.2, residues 328-348): YKVFWSWMVS[Ser338Gly]KSLVPTKKKR

ClinVar aggregate classification (germline): Uncertain significance (1 of 4 stars; one submission).

Submission:

GeneDx
Classification: Uncertain significance. Last evaluated: 2019-07-26. Review status: criteria provided, single submitter. Criteria: GeneDx Variant Classification Process June 2021. Collection method: clinical testing. Allele origin: germline. Affected: yes.
Comment: Not observed in large population cohorts (Lek et al., 2016); In silico analysis, which includes protein predictors and evolutionary conservation, supports that this variant does not alter protein structure/function; In silico analysis, which includes splice predictors and evolutionary conservation, suggests this variant may impact gene splicing. In the absence of RNA/functional studies, the actual effect of this sequence change is unknown.; Has not been previously published as pathogenic or benign to our knowledge